The following is an entry in ClinVar:

ClinVar aggregate classification (germline): Uncertain significance. Review status: criteria provided, multiple submitters, no conflicts (2 of 4 stars). 2 submissions from 2 submitters: Uncertain significance (2). Last evaluated 2025-08-01.

Allele frequency attached by ClinVar (database versions not stated): ExAC 0.00009; ESP Exome Variant Server 0.00038.
gnomAD v4.1: 89 of 1,613,564 alleles (0.0055%); highest among the groups gnomAD compares: African/African-American, 0.11%; no homozygotes.

Submissions (2):

Labcorp Genetics (formerly Invitae), Labcorp
Classification: Uncertain significance. Last evaluated: 2025-08-01. Review status: criteria provided, single submitter. Criteria: Invitae Variant Classification Sherloc (09022015). Collection method: clinical testing. Allele origin: germline.
Comment: This sequence change replaces glutamic acid, which is acidic and polar, with aspartic acid, which is acidic and polar, at codon 493 of the POLD2 protein (p.Glu493Asp). This variant is present in population databases (rs147647748, gnomAD 0.1%), and has an allele count higher than expected for a pathogenic variant. This variant has not been reported in the literature in individuals affected with POLD2-related conditions. ClinVar contains an entry for this variant (Variation ID: 1979084). An algorithm developed to predict the effect of missense changes on protein structure and function outputs the following: PolyPhen-2: "Not Available". The aspartic acid amino acid residue is found in multiple mammalian species, which suggests that this missense change does not adversely affect protein function. In summary, the available evidence is currently insufficient to determine the role of this variant in disease. Therefore, it has been classified as a Variant of Uncertain Significance.

Ambry Genetics
Classification: Uncertain significance. Last evaluated: 2025-03-19. Review status: criteria provided, single submitter. Criteria: Ambry Variant Classification Scheme 2023. Collection method: clinical testing. Allele origin: germline.

NM_006230.4(POLD2):c.1374G>C (p.Glu458Asp)

Gene: POLD2 (DNA polymerase delta 2, accessory subunit; minus strand). Cytogenetic location: 7p13.
Variant type: single nucleotide variant.
Coding change: c.1374G>C on transcript NM_006230.4 (MANE Select); coding-DNA position 1374, G replaced by C.
Protein change: p.Glu458Asp; replaces glutamic acid 458 with aspartic acid.
Molecular consequence: missense variant.
Genome position (GRCh38, 1-based): chr7:44,114,821, C>G on the plus strand (G>C on the coding strand, the complement: POLD2 is on the minus strand). VCF-style: chr7-44114821-C-G. GRCh37 (hg19) VCF-style: chr7-44154420-C-G.
Other names: c.1374G>C (NM_001127218.1); c.1374G>C, p.Glu458Asp (NM_001127218.3, NM_001256879.2); short protein forms E458D.
Identifiers: ClinVar variation 1979084 (VCV001979084.5), dbSNP rs147647748, ClinGen allele CA4238535.